The following is an entry in ClinVar:

NM_000059.4(BRCA2):c.4519C>T (p.Gln1507Ter)

Gene: BRCA2 (BRCA2 DNA repair associated; plus strand). Cytogenetic location: 13q13.1.
Variant type: single nucleotide variant.
Coding change: c.4519C>T on transcript NM_000059.4 (MANE Select); coding-DNA position 4519, C replaced by T.
Protein change: p.Gln1507Ter; replaces glutamine 1507 with a stop codon.
Molecular consequence: nonsense. On other transcripts: non-coding transcript variant (1), intron variant (2).
Genome position (GRCh38, 1-based): chr13:32,338,874, C>T. VCF-style: chr13-32338874-C-T. GRCh37 (hg19) VCF-style: chr13-32913011-C-T.
Other names: c.4519C>T, p.Gln1507Ter (NM_001406719.1, NM_001406720.1); c.1909+5487C>T (NM_001406721.1); c.425-5684C>T (NM_001406722.1); short protein forms Q1507*.
Identifiers: ClinVar variation 2681828 (VCV002681828.5), dbSNP rs1386446278, ClinGen allele CA387781652.

ClinVar aggregate classification (germline): Pathogenic. Review status: criteria provided, multiple submitters, no conflicts (2 of 4 stars). 3 submissions from 3 submitters: Pathogenic (3). Last evaluated 2024-09-22.

Conditions:
Hereditary breast ovarian cancer syndrome. Also called: Hereditary breast and ovarian cancer syndrome; Hereditary breast and ovarian cancer syndrome (HBOC); BRCA1- and BRCA2-Associated Hereditary Breast and Ovarian Cancer; Hereditary breast and ovarian cancer; Breast and ovarian cancer; Hereditary breast and/or ovarian cancer syndrome. Identifiers: Orphanet 145, MedGen C0677776, MeSH D061325, MONDO:0003582. Disease mechanism: loss of function.

Submissions (3):

GeneDx
Classification: Pathogenic. Last evaluated: 2024-09-22. Review status: criteria provided, single submitter. Criteria: GeneDx Variant Classification Process June 2021. Collection method: clinical testing. Allele origin: germline. Affected: yes.
Comment: Nonsense variant predicted to result in protein truncation or nonsense mediated decay in a gene for which loss of function is a known mechanism of disease; Truncating variants in this gene are considered pathogenic by a well-established clinical consortium and/or database; Not observed at significant frequency in large population cohorts (gnomAD); Also known as 4747C>T; This variant is associated with the following publications: (PMID: 33471991, 31209999)

Quest Diagnostics Nichols Institute San Juan Capistrano
Classification: Pathogenic. Last evaluated: 2023-07-19. Review status: criteria provided, single submitter. Criteria: Quest Diagnostics criteria. Collection method: clinical testing. Allele origin: unknown.
Comment: This variant causes the premature termination of BRCA2 protein synthesis. In the published literature, this variant has been reported in a family at risk of hereditary breast/ovarian cancer (PMID: 31209999 (2019)), and observed in an individual with breast cancer in a large-scale breast cancer association study (see LOVD and PMID: 33471991 (2021)). This variant has not been reported in large, multi-ethnic general populations (Genome Aggregation Database). Based on the available information, this variant is classified as pathogenic.

Labcorp Genetics (formerly Invitae), Labcorp
Classification: Pathogenic for Hereditary breast ovarian cancer syndrome. Last evaluated: 2023-02-09. Review status: criteria provided, single submitter. Criteria: Invitae Variant Classification Sherloc (09022015). Collection method: clinical testing. Allele origin: germline.
Comment: This variant is not present in population databases (gnomAD no frequency). For these reasons, this variant has been classified as Pathogenic. This premature translational stop signal has been observed in individual(s) with clinical features of BRCA2-related conditions (PMID: 21520333). This sequence change creates a premature translational stop signal (p.Gln1507*) in the BRCA2 gene. It is expected to result in an absent or disrupted protein product. Loss-of-function variants in BRCA2 are known to be pathogenic (PMID: 20104584).

Literature cited by the submitters: PubMed 33471991 (cited by Quest Diagnostics Nichols Institute San Juan Capistrano); PubMed 31209999 (cited by Quest Diagnostics Nichols Institute San Juan Capistrano); PubMed 21520333 (cited by Labcorp Genetics (formerly Invitae), Labcorp); PubMed 20104584 (cited by Labcorp Genetics (formerly Invitae), Labcorp).